The following is an entry in ClinVar:

ClinVar aggregate classification (germline): Benign (1 of 4 stars; one submission).

Allele frequency attached by ClinVar (database versions not stated): 1000 Genomes Project 0.35723; TOPMed 0.39177; 1000 Genomes Project 30x 0.36633; gnomAD 0.36944 and 0.38049.

Submission:

GeneDx
Classification: Benign. Last evaluated: 2018-06-16. Review status: criteria provided, single submitter. Criteria: GeneDx Variant Classification (06012015). Collection method: clinical testing. Allele origin: germline. Affected: yes.
Comment: This variant is considered likely benign or benign based on one or more of the following criteria: it is a conservative change, it occurs at a poorly conserved position in the protein, it is predicted to be benign by multiple in silico algorithms, and/or has population frequency not consistent with disease.

NM_005592.3(MUSK):c.-414C>G

Gene: MUSK (muscle associated receptor tyrosine kinase; plus strand). Cytogenetic location: 9q31.3.
Variant type: single nucleotide variant.
Coding change: c.-414C>G on transcript NM_005592.3; 414 bases upstream of the start codon, C replaced by G.
Genome position (GRCh38, 1-based): chr9:110,668,491, C>G. VCF-style: chr9-110668491-C-G. GRCh37 (hg19) VCF-style: chr9-113430771-C-G.
Identifiers: ClinVar variation 671338 (VCV000671338.3), dbSNP rs3001124, ClinGen allele CA12967765.